The following is an entry in ClinVar:

NM_032361.4(THOC3):c.790A>G (p.Arg264Gly)

Gene: THOC3 (THO complex subunit 3; minus strand). Cytogenetic location: 5q35.2.
Variant type: single nucleotide variant.
Coding change: c.790A>G on transcript NM_032361.4 (MANE Select); coding-DNA position 790, A replaced by G.
Protein change: p.Arg264Gly; replaces arginine 264 with glycine.
Molecular consequence: missense variant.
Genome position (GRCh38, 1-based): chr5:175,961,274, T>C on the plus strand (A>G on the coding strand, the complement: THOC3 is on the minus strand). VCF-style: chr5-175961274-T-C. GRCh37 (hg19) VCF-style: chr5-175388277-T-C.
Other names: c.790A>G, p.Arg264Gly (NM_001376902.1); short protein forms R264G.
Identifiers: ClinVar variation 4840482 (VCV004840482.1).

ClinVar aggregate classification (germline): Uncertain significance (1 of 4 stars; one submission).

Submission:

Ambry Genetics
Classification: Uncertain significance. Last evaluated: 2026-02-25. Review status: criteria provided, single submitter. Criteria: Ambry Variant Classification Scheme 2023. Collection method: clinical testing. Allele origin: germline.
Comment: The c.790A>G (p.R264G) alteration is located in exon 4 (coding exon 4) of the THOC3 gene. This alteration results from a A to G substitution at nucleotide position 790, causing the arginine (R) at amino acid position 264 to be replaced by a glycine (G). Based on data from gnomAD, the G allele has an overall frequency of 0.004% (4/90626) total alleles studied. The highest observed frequency was 0.032% (4/12366) of South Asian alleles. Based on insufficient or conflicting evidence, the clinical significance of this alteration remains unclear.